The following is an entry in ClinVar:

NM_001267550.2(TTN):c.42807_42819dup (p.Lys14274fs)

Gene: TTN (titin; minus strand). Cytogenetic location: 2q31.2.
Variant type: Duplication.
Coding change: c.42807_42819dup on transcript NM_001267550.2 (MANE Select); coding-DNA positions 42807 to 42819, 13 bases duplicated (TGTCCCTTCACCC).
Protein change: p.Lys14274fs; shifts the reading frame from lysine 14274.
Molecular consequence: frameshift variant.
Genome position (GRCh38, 1-based): chr2:178,633,540-178,633,552, GGGTGAAGGGACA duplicated on the plus strand (TGTCCCTTCACCC on the coding strand, the reverse complement: TTN is on the minus strand). VCF-style (leftmost placement, unchanged base first): chr2-178633539-T-TGGGTGAAGGGACA. GRCh37 (hg19) VCF-style: chr2-179498266-T-TGGGTGAAGGGACA.
Other names: c.37884_37896dup, p.Lys12633fs (NM_001256850.1); c.15612_15624dup, p.Lys5209fs (NM_003319.4); c.35103_35115dup, p.Lys11706fs (NM_133378.4); c.15987_15999dup, p.Lys5334fs (NM_133432.3); c.16188_16200dup, p.Lys5401fs (NM_133437.4); c.15612_15624dupTGTCCCTTCACCC (NM_003319.4); short protein forms K5209fs, K11706fs, K5334fs, K14274fs, K12633fs, K5401fs.
Identifiers: ClinVar variation 1775267 (VCV001775267.3), dbSNP rs2471512595, ClinGen allele CA2580065146.

ClinVar aggregate classification (germline): Likely pathogenic (1 of 4 stars; one submission).

Conditions:
Cardiovascular phenotype. Identifiers: MedGen CN230736.

Submission:

Ambry Genetics
Classification: Likely pathogenic for Cardiovascular phenotype. Last evaluated: 2023-05-22. Review status: criteria provided, single submitter. Criteria: Ambry Variant Classification Scheme 2023. Collection method: clinical testing. Allele origin: germline.
Comment: The c.15612_15624dup13 variant, located in coding exon 59 of the TTN gene, results from a duplication of TGTCCCTTCACCC at nucleotide position 15612, causing a translational frameshift with a predicted alternate stop codon (p.K5209Cfs*25). This exon is located in the I-band region of the N2-B isoform of the titin protein and is constitutively expressed in TTN transcripts (percent spliced in or PSI 100%). This variant is considered to be rare based on population cohorts in the Genome Aggregation Database (gnomAD). This alteration is expected to result in loss of function by premature protein truncation or nonsense-mediated mRNA decay. While truncating variants in TTN are present in 1-3% of the general population, truncating variants in the A-band are the most common cause of dilated cardiomyopathy (DCM) (Herman DS et al. N. Engl. J. Med., 2012 Feb;366:619-28; Roberts AM et al. Sci Transl Med, 2015 Jan;7:270ra6). TTN truncating variants encoded in constitutive exons (PSI >90%) have been found to be significantly associated with DCM regardless of their position in titin (Schafer S et al. Nat. Genet., 2017 01;49:46-53). As such, this alteration is classified as likely pathogenic.